The following is an entry in ClinVar:

NM_001079866.2(BCS1L):c.654_655del (p.Gly219fs)

Gene: BCS1L (BCS1 ubiquinol-cytochrome c reductase complex chaperone; plus strand). Cytogenetic location: 2q35.
Variant type: Microsatellite.
Coding change: c.654_655del on transcript NM_001079866.2 (MANE Select); coding-DNA positions 654 to 655, 2 bases deleted (AG; older notation c.654_655delAG).
Protein change: p.Gly219fs; shifts the reading frame from glycine 219.
Molecular consequence: frameshift variant. On other transcripts: non-coding transcript variant (1).
Genome position (GRCh38, 1-based): chr2:218,661,952-218,661,953, AG deleted; deleting any 2 consecutive bases within chr2:218,661,950-218,661,953 gives the same sequence; the c. name uses the placement nearest the transcript's 3' end. VCF-style (leftmost placement, unchanged base first): chr2-218661949-CAG-C. GRCh37 (hg19) VCF-style: chr2-219526672-CAG-C.
Other names: c.654_655del, p.Gly219fs (NM_001257342.2, NM_001257343.2, NM_001257344.2 and 10 more transcripts); c.294_295del, p.Gly99fs (NM_001318836.2, NM_001371451.1); c.153_154del, p.Gly52fs (NM_001371452.1, NM_001371453.1, NM_001371454.1 and 3 more transcripts); c.654_655delAG (NM_004328.4); short protein forms G52fs, G99fs, G219fs.
Identifiers: ClinVar variation 649381 (VCV000649381.6), dbSNP rs1575108381, ClinGen allele CA915941675.

ClinVar aggregate classification (germline): Pathogenic (1 of 4 stars; one submission).

Submission:

Labcorp Genetics (formerly Invitae), Labcorp
Classification: Pathogenic. Last evaluated: 2021-04-16. Review status: criteria provided, single submitter. Criteria: Invitae Variant Classification Sherloc (09022015). Collection method: clinical testing. Allele origin: germline.
Comment: For these reasons, this variant has been classified as Pathogenic. Loss-of-function variants in BCS1L are known to be pathogenic (PMID: 17314340, 25895478). Algorithms developed to predict the effect of sequence changes on RNA splicing suggest that this variant may disrupt the consensus splice site, but this prediction has not been confirmed by published transcriptional studies. This variant has not been reported in the literature in individuals with BCS1L-related disease. This variant is not present in population databases (ExAC no frequency). This sequence change creates a premature translational stop signal (p.Gly219Hisfs*44) in the BCS1L gene. It is expected to result in an absent or disrupted protein product.

Literature cited by the submitters: PubMed 17314340; PubMed 25895478.